The following is an entry in ClinVar:

NM_001083961.2(WDR62):c.2334-152G>A

Gene: WDR62 (WD repeat domain 62; plus strand). Cytogenetic location: 19q13.12.
Variant type: single nucleotide variant.
Coding change: c.2334-152G>A on transcript NM_001083961.2 (MANE Select); 152 bases into the intron before coding-DNA position 2334, G replaced by A.
Molecular consequence: intron variant.
Genome position (GRCh38, 1-based): chr19:36,093,879, G>A. VCF-style: chr19-36093879-G-A. GRCh37 (hg19) VCF-style: chr19-36584781-G-A.
Other names: c.2334-152G>A (NM_173636.5).
Identifiers: ClinVar variation 670282 (VCV000670282.1), dbSNP rs17639414, ClinGen allele CA14731570.

ClinVar aggregate classification (germline): Benign (1 of 4 stars; one submission).

Allele frequency attached by ClinVar (database versions not stated): gnomAD exomes 0.10104; 1000 Genomes Project 0.12061; 1000 Genomes Project 30x 0.12617; gnomAD 0.13626 and 0.14034; TOPMed 0.14133.
gnomAD v4.1: 95,504 of 886,930 alleles (11%); highest among the groups gnomAD compares: African/African-American, 22%; 6,129 homozygotes.

Submission:

GeneDx
Classification: Benign. Last evaluated: 2018-06-14. Review status: criteria provided, single submitter. Criteria: GeneDx Variant Classification (06012015). Collection method: clinical testing. Allele origin: germline. Affected: yes.
Comment: This variant is considered likely benign or benign based on one or more of the following criteria: it is a conservative change, it occurs at a poorly conserved position in the protein, it is predicted to be benign by multiple in silico algorithms, and/or has population frequency not consistent with disease.